The following is an entry in ClinVar:

ClinVar aggregate classification (germline): Benign. Review status: criteria provided, multiple submitters, no conflicts (2 of 4 stars). 5 submissions from 5 submitters: Benign (5). Last evaluated 2026-01-26.

Conditions:
Autoinflammatory syndrome. Identifiers: Orphanet 93665, MedGen C3890737, MONDO:0019751.
X-linked lymphoproliferative disease due to SH2D1A deficiency (XLP1). Also called: IMMUNODEFICIENCY 5; IMMUNODEFICIENCY, X-LINKED PROGRESSIVE COMBINED VARIABLE; INFECTIOUS MONONUCLEOSIS, SEVERE, SUSCEPTIBILITY TO; PURTILO SYNDROME; DUNCAN DISEASE; SH2D1A-Related Lymphoproliferative Disease, X-Linked. Identifiers: Orphanet 2442, Orphanet 538931, MedGen C5399825, MONDO:0024551, OMIM 308240.

Allele frequency attached by ClinVar (database versions not stated): TOPMed 0.44511; gnomAD 0.44371 and 0.43694; 1000 Genomes Project 0.52106; gnomAD exomes 0.47597; 1000 Genomes Project 30x 0.52071.

Submissions (5):

Labcorp Genetics (formerly Invitae), Labcorp
Classification: Benign for X-linked lymphoproliferative disease due to SH2D1A deficiency. Last evaluated: 2026-01-26. Review status: criteria provided, single submitter. Criteria: Invitae Variant Classification Sherloc (09022015). Collection method: clinical testing. Allele origin: germline.

Genome Diagnostics Laboratory, The Hospital for Sick Children
Classification: Benign for Autoinflammatory syndrome. Last evaluated: 2022-01-14. Review status: criteria provided, single submitter. Criteria: ACMG Guidelines, 2015. Collection method: clinical testing. Allele origin: germline. Affected: yes.

GeneDx
Classification: Benign. Last evaluated: 2019-01-10. Review status: criteria provided, single submitter. Criteria: GeneDx Variant Classification Process June 2021. Collection method: clinical testing. Allele origin: germline. Affected: yes.
Comment: This variant is associated with the following publications: (PMID: 22425739)

Illumina Laboratory Services, Illumina
Classification: Benign for X-linked lymphoproliferative disease due to SH2D1A deficiency. Last evaluated: 2017-04-27. Review status: criteria provided, single submitter. Criteria: ICSL Variant Classification Criteria 13 December 2019. Collection method: clinical testing. Allele origin: germline.
Comment: This variant was observed as part of a predisposition screen in an ostensibly healthy population. A literature search was performed for the gene, cDNA change, and amino acid change (where applicable). No publications were found based on this search. Allele frequency data from public databases was too high to be consistent with this variant causing disease. Therefore, this variant is classified as benign.

Breakthrough Genomics
Classification: Benign. Review status: criteria provided, single submitter. Criteria: ACMG Guidelines, 2015. Collection method: not provided. Allele origin: germline. Inheritance: X-linked inheritance. Affected: yes.

NC_000023.11:g.124346297C>T

Gene: SH2D1A (SH2 domain containing 1A; plus strand). Cytogenetic location: Xq25.
Variant type: single nucleotide variant.
Genome position: GRCh38 VCF-style: chrX-124346297-C-T. GRCh37 (hg19) VCF-style: chrX-123480147-C-T.
Other names: c.-346C>T (NM_002351.4).
Identifiers: ClinVar variation 367866 (VCV000367866.17), dbSNP rs12164382, ClinGen allele CA10654243.
Genomic context (GRCh38, chrX:124,346,297, plus strand): 5'-TAAGTTATTCCTGGTGGCCTCTGAGTAAACCGCAAGAACAGAAGCATTACTAAGCATCCC[C>T]GTCTGAGTGCAAGGGTGTGTGTTGGCAGTACAGCCCCAATCTTGCAAAATCCTTCTTCCA-3'